The following is an entry in ClinVar:

ClinVar aggregate classification (germline): Uncertain significance (1 of 4 stars; one submission).

Allele frequency attached by ClinVar (database versions not stated): TOPMed 0.00010; ExAC 0.00012; gnomAD 0.00014; ESP Exome Variant Server 0.00015; gnomAD exomes 0.00019.

Submission:

Labcorp Genetics (formerly Invitae), Labcorp
Classification: Uncertain significance. Last evaluated: 2024-01-17. Review status: criteria provided, single submitter. Criteria: Invitae Variant Classification Sherloc (09022015). Collection method: clinical testing. Allele origin: germline.
Comment: This sequence change replaces arginine, which is basic and polar, with cysteine, which is neutral and slightly polar, at codon 81 of the TBC1D7 protein (p.Arg81Cys). This variant is present in population databases (rs144743739, gnomAD 0.01%). This variant has not been reported in the literature in individuals affected with TBC1D7-related conditions. An algorithm developed to predict the effect of missense changes on protein structure and function (PolyPhen-2) suggests that this variant is likely to be disruptive. In summary, the available evidence is currently insufficient to determine the role of this variant in disease. Therefore, it has been classified as a Variant of Uncertain Significance.

NM_016495.6(TBC1D7):c.241C>T (p.Arg81Cys)

Genes: TBC1D7 (TBC1 domain family member 7; minus strand), TBC1D7-LOC100130357 (TBC1D7-LOC100130357 readthrough; minus strand). Cytogenetic location: 6p24.1.
Variant type: single nucleotide variant.
Coding change: c.241C>T on transcript NM_016495.6 (MANE Select); coding-DNA position 241, C replaced by T.
Protein change: p.Arg81Cys; replaces arginine 81 with cysteine.
Molecular consequence: missense variant. On other transcripts: non-coding transcript variant (1).
Genome position (GRCh38, 1-based): chr6:13,321,048, G>A on the plus strand (C>T on the coding strand, the complement: TBC1D7 is on the minus strand). VCF-style: chr6-13321048-G-A. GRCh37 (hg19) VCF-style: chr6-13321280-G-A.
Other names: c.241C>T, p.Arg81Cys (NM_001318809.2, NM_001143964.4, NM_001143965.4 and 2 more transcripts); c.160C>T, p.Arg54Cys (NM_001143966.4, NM_001318806.2); short protein forms R54C, R81C.
Identifiers: ClinVar variation 2722090 (VCV002722090.3), dbSNP rs144743739, ClinGen allele CA3639834.